The following is an entry in ClinVar:

ClinVar aggregate classification (germline): Uncertain significance (1 of 4 stars; one submission).

Allele frequency attached by ClinVar (database versions not stated): gnomAD exomes below 0.00001; TOPMed below 0.00001.
gnomAD v4.1: 4 of 1,613,518 alleles (0.00025%); highest among the groups gnomAD compares: African/African-American, 0.0013%; no homozygotes.

Submission:

Labcorp Genetics (formerly Invitae), Labcorp
Classification: Uncertain significance. Last evaluated: 2022-08-13. Review status: criteria provided, single submitter. Criteria: Invitae Variant Classification Sherloc (09022015). Collection method: clinical testing. Allele origin: germline.
Comment: In summary, the available evidence is currently insufficient to determine the role of this variant in disease. Therefore, it has been classified as a Variant of Uncertain Significance. Algorithms developed to predict the effect of missense changes on protein structure and function are either unavailable or do not agree on the potential impact of this missense change (SIFT: "Tolerated"; PolyPhen-2: "Probably Damaging"; Align-GVGD: "Class C0"). ClinVar contains an entry for this variant (Variation ID: 1517359). This variant has not been reported in the literature in individuals affected with PDE6A-related conditions. This variant is present in population databases (no rsID available, gnomAD 0.0009%). This sequence change replaces threonine, which is neutral and polar, with alanine, which is neutral and non-polar, at codon 570 of the PDE6A protein (p.Thr570Ala).

NM_000440.3(PDE6A):c.1708A>G (p.Thr570Ala)

Gene: PDE6A (phosphodiesterase 6A; minus strand). Cytogenetic location: 5q32.
Variant type: single nucleotide variant.
Coding change: c.1708A>G on transcript NM_000440.3 (MANE Select); coding-DNA position 1708, A replaced by G.
Protein change: p.Thr570Ala; replaces threonine 570 with alanine.
Molecular consequence: missense variant.
Genome position (GRCh38, 1-based): chr5:149,895,203, T>C on the plus strand (A>G on the coding strand, the complement: PDE6A is on the minus strand). VCF-style: chr5-149895203-T-C. GRCh37 (hg19) VCF-style: chr5-149274766-T-C.
Other names: short protein forms T570A.
Identifiers: ClinVar variation 1517359 (VCV001517359.6), dbSNP rs1348047863, ClinGen allele CA361695076.